The following is an entry in ClinVar:

NM_016239.4(MYO15A):c.289del (p.Arg97fs)

Gene: MYO15A (myosin XVA; plus strand). Cytogenetic location: 17p11.2.
Variant type: Deletion.
Coding change: c.289del on transcript NM_016239.4 (MANE Select); coding-DNA position 289, one base deleted (C; older notation c.289delC).
Protein change: p.Arg97fs; shifts the reading frame from arginine 97.
Molecular consequence: frameshift variant.
Genome position (GRCh38, 1-based): chr17:18,119,089, C deleted. VCF-style (leftmost placement, unchanged base first): chr17-18119088-GC-G. GRCh37 (hg19) VCF-style: chr17-18022402-GC-G.
Other names: short protein forms R97fs.
Identifiers: ClinVar variation 3011123 (VCV003011123.3), dbSNP rs2545173222, ClinGen allele CA2740095286.

ClinVar aggregate classification (germline): Pathogenic (1 of 4 stars; one submission).

Submission:

Labcorp Genetics (formerly Invitae), Labcorp
Classification: Pathogenic. Last evaluated: 2023-04-06. Review status: criteria provided, single submitter. Criteria: Invitae Variant Classification Sherloc (09022015). Collection method: clinical testing. Allele origin: germline.
Comment: For these reasons, this variant has been classified as Pathogenic. This variant has not been reported in the literature in individuals affected with MYO15A-related conditions. This variant is not present in population databases (gnomAD no frequency). This sequence change creates a premature translational stop signal (p.Arg97Glyfs*3) in the MYO15A gene. It is expected to result in an absent or disrupted protein product. Loss-of-function variants in MYO15A are known to be pathogenic (PMID: 17546645).

Literature cited by the submitters: PubMed 17546645.